The following is an entry in ClinVar:

ClinVar aggregate classification (germline): Uncertain significance (1 of 4 stars; one submission).

Conditions:
Hereditary pancreatitis (PCTT). Also called: Hereditary chronic pancreatitis; PRSS1-Related Hereditary Pancreatitis. Identifiers: Orphanet 676, MedGen C0238339, MONDO:0008185, OMIM 167800.

Submission:

Ambry Genetics
Classification: Uncertain significance for Hereditary pancreatitis. Last evaluated: 2021-09-06. Review status: criteria provided, single submitter. Criteria: Ambry Variant Classification Scheme 2023. Collection method: clinical testing. Allele origin: germline.
Comment: The p.W183G variant (also known as c.547T>G), located in coding exon 5 of the CPA1 gene, results from a T to G substitution at nucleotide position 547. The tryptophan at codon 183 is replaced by glycine, an amino acid with highly dissimilar properties. This amino acid position is conserved. In addition, this alteration is predicted to be deleterious by in silico analysis. Since supporting evidence is limited at this time, the clinical significance of this alteration remains unclear.

NM_001868.4(CPA1):c.547T>G (p.Trp183Gly)

Gene: CPA1 (carboxypeptidase A1; plus strand). Cytogenetic location: 7q32.2.
Variant type: single nucleotide variant.
Coding change: c.547T>G on transcript NM_001868.4 (MANE Select); coding-DNA position 547, T replaced by G.
Protein change: p.Trp183Gly; replaces tryptophan 183 with glycine.
Molecular consequence: missense variant.
Genome position (GRCh38, 1-based): chr7:130,383,454, T>G. VCF-style: chr7-130383454-T-G. GRCh37 (hg19) VCF-style: chr7-130023295-T-G.
Other names: short protein forms W183G.
Identifiers: ClinVar variation 1747801 (VCV001747801.2), dbSNP rs2536008184, ClinGen allele CA369282384.